The following is an entry in ClinVar:

ClinVar aggregate classification (germline): Uncertain significance. Review status: criteria provided, multiple submitters, no conflicts (2 of 4 stars). 2 submissions from 2 submitters: Uncertain significance (2). Last evaluated 2025-02-05.

Conditions:
Cardiovascular phenotype. Identifiers: MedGen CN230736.
Catecholaminergic polymorphic ventricular tachycardia 1. Also called: VENTRICULAR TACHYCARDIA, CATECHOLAMINERGIC POLYMORPHIC, 1, WITH OR WITHOUT ATRIAL DYSFUNCTION AND/OR DILATED CARDIOMYOPATHY; VENTRICULAR TACHYCARDIA, STRESS-INDUCED POLYMORPHIC 1; RYR2-Related Catecholaminergic Polymorphic Ventricular Tachycardia. Identifiers: Orphanet 3286, MedGen C1631597, MONDO:0011484, OMIM 604772.

Allele frequency attached by ClinVar (database versions not stated): gnomAD exomes below 0.00001; ExAC 0.00001.
gnomAD v4.1: 2 of 1,611,010 alleles (0.00012%); highest among the groups gnomAD compares: Admixed American, 0.0017%; no homozygotes.

Submissions (2):

Labcorp Genetics (formerly Invitae), Labcorp
Classification: Uncertain significance for Catecholaminergic polymorphic ventricular tachycardia 1. Last evaluated: 2025-02-05. Review status: criteria provided, single submitter. Criteria: Invitae Variant Classification Sherloc (09022015). Collection method: clinical testing. Allele origin: germline.
Comment: This sequence change replaces isoleucine, which is neutral and non-polar, with valine, which is neutral and non-polar, at codon 1268 of the RYR2 protein (p.Ile1268Val). This variant is present in population databases (rs760271170, gnomAD 0.0009%). This variant has not been reported in the literature in individuals affected with RYR2-related conditions. ClinVar contains an entry for this variant (Variation ID: 1960971). Invitae Evidence Modeling of protein sequence and biophysical properties (such as structural, functional, and spatial information, amino acid conservation, physicochemical variation, residue mobility, and thermodynamic stability) indicates that this missense variant is not expected to disrupt RYR2 protein function with a negative predictive value of 95%. In summary, the available evidence is currently insufficient to determine the role of this variant in disease. Therefore, it has been classified as a Variant of Uncertain Significance.

Ambry Genetics
Classification: Uncertain significance for Cardiovascular phenotype. Last evaluated: 2024-11-11. Review status: criteria provided, single submitter. Criteria: Ambry Variant Classification Scheme 2023. Collection method: clinical testing. Allele origin: germline.
Comment: The p.I1268V variant (also known as c.3802A>G), located in coding exon 30 of the RYR2 gene, results from an A to G substitution at nucleotide position 3802. The isoleucine at codon 1268 is replaced by valine, an amino acid with highly similar properties. This amino acid position is well conserved in available vertebrate species. In addition, the in silico prediction for this alteration is inconclusive. Based on the available evidence, the clinical significance of this variant remains unclear.

NM_001035.3(RYR2):c.3802A>G (p.Ile1268Val)

Genes: RYR2 (ryanodine receptor 2; plus strand), LOC126806067 (BRD4-independent group 4 enhancer GRCh37_chr1:237753258-237754457; plus strand). Cytogenetic location: 1q43.
Variant type: single nucleotide variant.
Coding change: c.3802A>G on transcript NM_001035.3 (MANE Select); coding-DNA position 3802, A replaced by G.
Protein change: p.Ile1268Val; replaces isoleucine 1268 with valine.
Molecular consequence: missense variant.
Genome position (GRCh38, 1-based): chr1:237,589,996, A>G. VCF-style: chr1-237589996-A-G. GRCh37 (hg19) VCF-style: chr1-237753296-A-G.
Other names: c.3802A>G (NM_001035.2); short protein forms I1268V.
Identifiers: ClinVar variation 1960971 (VCV001960971.6), dbSNP rs760271170, ClinGen allele CA072033.
Genomic context (GRCh38, chr1:237,589,996, plus strand): 5'-ACCATGTGGCTGAGCAAGAGGCTTCCTCAGTTTCTTCAAGTTCCATCAAACCATGAACAT[A>G]TAGAGGTTTGCTTTTTCTTTAAAAATCAGGCCATTTCTAAAAAGCAGGAAAAGAATATCT-3'
Protein context (NP_001026.2, residues 1258-1278): FLQVPSNHEH[Ile1268Val]EVTRIDGTID